The following is an entry in ClinVar:

NM_001387690.1(KATNAL2):c.51+16373C>T

Gene: KATNAL2 (katanin catalytic subunit A1 like 2; plus strand). Cytogenetic location: 18q21.1.
Variant type: single nucleotide variant.
Coding change: c.51+16373C>T on transcript NM_001387690.1 (MANE Select); 16373 bases into the intron after coding-DNA position 51, C replaced by T.
Molecular consequence: intron variant.
Genome position (GRCh38, 1-based): chr18:46,963,296, C>T. VCF-style: chr18-46963296-C-T. GRCh37 (hg19) VCF-style: chr18-44543259-C-T.
Other names: c.-2+16373C>T (NM_001353904.1, NM_001353903.1, NM_001353907.1 and 3 more transcripts); c.129+16373C>T (NM_001353899.1, NM_001353900.1, NM_001353902.1); c.51+16373C>T (NM_001353901.1, NM_001367621.1); c.-295+16373C>T (NM_001353905.1); c.-95+16373C>T (NM_031303.3).
Identifiers: ClinVar variation 4280963 (VCV004280963.7).

ClinVar aggregate classification (germline): Likely benign (1 of 4 stars; one submission).

Submission:

CeGaT Center for Human Genetics Tuebingen
Classification: Likely benign. Last evaluated: 2025-09-01. Review status: criteria provided, single submitter. Criteria: CeGaT Center For Human Genetics Tuebingen Variant Classification Criteria Version 2. Collection method: clinical testing. Allele origin: germline. Affected: yes. Observed: 1 variant allele.
Comment: ELOA3DP: BP4, BP7